The following is an entry in ClinVar:

NM_015275.3(WASHC4):c.2465A>G (p.His822Arg)

Gene: WASHC4 (WASH complex subunit 4; plus strand). Cytogenetic location: 12q23.3.
Variant type: single nucleotide variant.
Coding change: c.2465A>G on transcript NM_015275.3 (MANE Select); coding-DNA position 2465, A replaced by G.
Protein change: p.His822Arg; replaces histidine 822 with arginine.
Molecular consequence: missense variant.
Genome position (GRCh38, 1-based): chr12:105,147,097, A>G. VCF-style: chr12-105147097-A-G. GRCh37 (hg19) VCF-style: chr12-105540875-A-G.
Other names: c.2465A>G (NM_015275.1); c.2468A>G, p.His823Arg (NM_001293640.2); short protein forms H822R, H823R.
Identifiers: ClinVar variation 435579 (VCV000435579.14), dbSNP rs187432521, ClinGen allele CA6758945.
Genomic context (GRCh38, chr12:105,147,097, plus strand): 5'-TGCAGATTTTTATTGAACGAACAAGCAATAACAAGCATTTGAATACTATTAATATTCGGC[A>G]TATTGCTAATTCAATTCGAACACATGGCACGGGAATTATGAATACAACTGTAAGAACTTT-3'
Protein context (NP_056090.1, residues 812-832): NKHLNTINIR[His822Arg]IANSIRTHGT

ClinVar aggregate classification (germline): Conflicting classifications of pathogenicity. Review status: criteria provided, conflicting classifications (1 of 4 stars). 5 submissions from 5 submitters: Uncertain significance (3); Likely benign (1). 1 of the submissions does not count toward it. Last evaluated 2026-01-01.

Conditions:
WASHC4-related disorder. Also called: WASHC4-related condition.

Allele frequency attached by ClinVar (database versions not stated): TOPMed 0.00152; ExAC 0.00154; ESP Exome Variant Server 0.00186; gnomAD exomes 0.00214 and 0.00138; 1000 Genomes Project 30x 0.00078; 1000 Genomes Project 0.00100; gnomAD 0.00151.
gnomAD v4.1: 3,339 of 1,611,812 alleles (0.21%); highest among the groups gnomAD compares: Non-Finnish European, 0.26%; 8 homozygotes.

Submissions (5):

CeGaT Center for Human Genetics Tuebingen
Classification: Likely benign. Last evaluated: 2026-01-01. Review status: criteria provided, single submitter. Criteria: CeGaT Center For Human Genetics Tuebingen Variant Classification Criteria Version 2. Collection method: clinical testing. Allele origin: germline. Affected: yes. Observed: 1 variant allele.
Comment: WASHC4: BS2

Ambry Genetics
Classification: Uncertain significance. Last evaluated: 2022-12-15. Review status: criteria provided, single submitter. Criteria: Ambry Variant Classification Scheme 2023. Collection method: clinical testing. Allele origin: germline.

Genetic Services Laboratory, University of Chicago
Classification: Uncertain significance. Last evaluated: 2017-01-15. Review status: criteria provided, single submitter. Criteria: ACMG Guidelines, 2015. Collection method: clinical testing. Allele origin: germline. Affected: no.

Breakthrough Genomics
Classification: Uncertain significance. Review status: criteria provided, single submitter. Criteria: ACMG Guidelines, 2015. Collection method: not provided. Allele origin: germline. Inheritance: Autosomal recessive inheritance. Affected: yes.

PreventionGenetics, part of Exact Sciences
Classification: Likely benign for WASHC4-related condition. Last evaluated: 2022-02-22. Review status: no assertion criteria provided. Collection method: clinical testing. Allele origin: germline. Not counted in ClinVar's aggregate classification.
Comment: This variant is classified as likely benign based on ACMG/AMP sequence variant interpretation guidelines (Richards et al. 2015 PMID: 25741868, with internal and published modifications).